The following is an entry in ClinVar:

NM_022124.6(CDH23):c.8530C>A (p.Pro2844Thr)

Gene: CDH23 (cadherin related 23; plus strand). Cytogenetic location: 10q22.1.
Variant type: single nucleotide variant.
Coding change: c.8530C>A on transcript NM_022124.6 (MANE Select); coding-DNA position 8530, C replaced by A.
Protein change: p.Pro2844Thr; replaces proline 2844 with threonine.
Molecular consequence: missense variant.
Genome position (GRCh38, 1-based): chr10:71,807,737, C>A. VCF-style: chr10-71807737-C-A. GRCh37 (hg19) VCF-style: chr10-73567494-C-A.
Other names: c.1810C>A, p.Pro604Thr (NM_001171933.1, NM_001171934.1); short protein forms P2844T, P604T.
Identifiers: ClinVar variation 3340296 (VCV003340296.4).

ClinVar aggregate classification (germline): Uncertain significance. Review status: criteria provided, multiple submitters, no conflicts (2 of 4 stars). 3 submissions from 3 submitters: Uncertain significance (3). Last evaluated 2024-07-09.

Submissions (3):

Labcorp Genetics (formerly Invitae), Labcorp
Classification: Uncertain significance. Last evaluated: 2024-07-09. Review status: criteria provided, single submitter. Criteria: Invitae Variant Classification Sherloc (09022015). Collection method: clinical testing. Allele origin: germline.
Comment: This sequence change replaces proline, which is neutral and non-polar, with threonine, which is neutral and polar, at codon 2844 of the CDH23 protein (p.Pro2844Thr). This variant is not present in population databases (gnomAD no frequency). This missense change has been observed in individual(s) with congenital hearing loss (PMID: 26878454). Advanced modeling of protein sequence and biophysical properties (such as structural, functional, and spatial information, amino acid conservation, physicochemical variation, residue mobility, and thermodynamic stability) has been performed at Invitae for this missense variant, however the output from this modeling did not meet the statistical confidence thresholds required to predict the impact of this variant on CDH23 protein function. In summary, the available evidence is currently insufficient to determine the role of this variant in disease. Therefore, it has been classified as a Variant of Uncertain Significance.

GeneDx
Classification: Uncertain significance. Last evaluated: 2023-08-17. Review status: criteria provided, single submitter. Criteria: GeneDx Variant Classification Process June 2021. Collection method: clinical testing. Allele origin: germline. Affected: yes.
Comment: Not observed at significant frequency in large population cohorts (gnomAD); In silico analysis supports that this missense variant has a deleterious effect on protein structure/function; This variant is associated with the following publications: (PMID: 31908405, 26878454)

Blueprint Genetics
Classification: Uncertain significance. Last evaluated: 2019-09-06. Review status: criteria provided, single submitter. Criteria: ACMG Guidelines, 2015. Collection method: clinical testing. Allele origin: germline.

Literature cited by the submitters: PubMed 26878454 (cited by Labcorp Genetics (formerly Invitae), Labcorp).